The following is an entry in ClinVar:

NM_000219.6(KCNE1):c.46C>A (p.Leu16Met)

Gene: KCNE1 (potassium voltage-gated channel subfamily E regulatory subunit 1; minus strand). Cytogenetic location: 21q22.12.
Variant type: single nucleotide variant.
Coding change: c.46C>A on transcript NM_000219.6 (MANE Select); coding-DNA position 46, C replaced by A.
Protein change: p.Leu16Met; replaces leucine 16 with methionine.
Molecular consequence: missense variant.
Genome position (GRCh38, 1-based): chr21:34,449,589, G>T on the plus strand (C>A on the coding strand, the complement: KCNE1 is on the minus strand). VCF-style: chr21-34449589-G-T. GRCh37 (hg19) VCF-style: chr21-35821887-G-T.
Other names: c.46C>A, p.Leu16Met (NM_001127668.4, NM_001127669.4, NM_001127670.4 and 4 more transcripts); short protein forms L16M.
Identifiers: ClinVar variation 3373898 (VCV003373898.2).
Genomic context (GRCh38, chr21:34,449,589, plus strand): 5'-GGGGGGACCTGCGGGCCAGGCCCGACATGTTGCCACCCTGCTGAACTGTCTCCTGCCACA[G>T]CTTGGTCAGAAAGGGCGTCACCGCTGTGGTGTTAGACAGGATCATCCTGGGCATTAAGGT-3'
Protein context (NP_000210.2, residues 6-26): TTAVTPFLTK[Leu16Met]WQETVQQGGN

Conditions:
Long QT syndrome 5 (LQT5). Identifiers: Orphanet 101016, Orphanet 768, MedGen C1867904, MONDO:0013372, OMIM 613695.

Submission:

Roden Lab, Vanderbilt University Medical Center
No classification provided (evidence only). Condition: Long QT syndrome 5. Review status: no classification provided. Collection method: in vitro. Allele origin: not applicable. Functional consequence: Effect on ion channel function.
ClinVar note: "not provided" was previously submitted as the classification for the variant. However, the classification appeared to be based only on an observation of functional data so it was converted to no classification on 2025-07-30.